The following is an entry in ClinVar:

ClinVar aggregate classification (germline): Uncertain significance (1 of 4 stars; one submission).

Submission:

Mayo Clinic Laboratories, Mayo Clinic
Classification: Uncertain significance. Last evaluated: 2025-11-01. Review status: criteria provided, single submitter. Criteria: ACMG Guidelines, 2015. Collection method: clinical testing. Allele origin: germline. Observed: 1 variant allele.
Comment: BP4_moderate, PM2_supporting

NM_080605.4(B3GALT6):c.155C>T (p.Pro52Leu)

Gene: B3GALT6 (beta-1,3-galactosyltransferase 6; plus strand). Cytogenetic location: 1p36.33.
Variant type: single nucleotide variant.
Coding change: c.155C>T on transcript NM_080605.4 (MANE Select); coding-DNA position 155, C replaced by T.
Protein change: p.Pro52Leu; replaces proline 52 with leucine.
Molecular consequence: missense variant.
Genome position (GRCh38, 1-based): chr1:1,232,433, C>T. VCF-style: chr1-1232433-C-T. GRCh37 (hg19) VCF-style: chr1-1167813-C-T.
Other names: p.Pro52Leu; short protein forms P52L.
Identifiers: ClinVar variation 4540968 (VCV004540968.1).